The following is an entry in ClinVar:

NM_000465.4(BARD1):c.607G>T (p.Gly203Ter)

Gene: BARD1 (BRCA1 associated RING domain 1; minus strand). Cytogenetic location: 2q35.
Variant type: single nucleotide variant.
Coding change: c.607G>T on transcript NM_000465.4 (MANE Select); coding-DNA position 607, G replaced by T.
Protein change: p.Gly203Ter; replaces glycine 203 with a stop codon.
Molecular consequence: nonsense. On other transcripts: non-coding transcript variant (2), intron variant (3).
Genome position (GRCh38, 1-based): chr2:214,781,267, C>A on the plus strand (G>T on the coding strand, the complement: BARD1 is on the minus strand). VCF-style: chr2-214781267-C-A. GRCh37 (hg19) VCF-style: chr2-215645991-C-A.
Other names: p.G203*:GGA>TGA; c.550G>T, p.Gly184Ter (NM_001282543.2); c.158+28145G>T (NM_001282548.2); c.215+15794G>T (NM_001282545.2); c.364+11030G>T (NM_001282549.2); short protein forms G203*, G184*.
Identifiers: ClinVar variation 182042 (VCV000182042.10), dbSNP rs730881415, ClinGen allele CA298456.

ClinVar aggregate classification (germline): Pathogenic. Review status: criteria provided, multiple submitters, no conflicts (2 of 4 stars). 2 submissions from 2 submitters: Pathogenic (2). Last evaluated 2021-02-13.

Conditions:
Familial cancer of breast. Also called: BREAST CANCER, FAMILIAL; Hereditary breast cancer; hereditary breast carcinoma. Identifiers: Orphanet 227535, MedGen C0346153, MONDO:0016419, OMIM 114480. Disease mechanism: loss of function.

Submissions (2):

Labcorp Genetics (formerly Invitae), Labcorp
Classification: Pathogenic for Familial cancer of breast. Last evaluated: 2021-02-13. Review status: criteria provided, single submitter. Criteria: Invitae Variant Classification Sherloc (09022015). Collection method: clinical testing. Allele origin: germline.
Comment: This variant has been observed in individual(s) referred for cancer gene panel testing (PMID: 26681312). ClinVar contains an entry for this variant (Variation ID: 182042). For these reasons, this variant has been classified as Pathogenic. This variant is not present in population databases (ExAC no frequency). This sequence change creates a premature translational stop signal (p.Gly203*) in the BARD1 gene. It is expected to result in an absent or disrupted protein product. Loss-of-function variants in BARD1 are known to be pathogenic (PMID: 20077502, 21344236).

GeneDx
Classification: Pathogenic. Last evaluated: 2014-09-25. Review status: criteria provided, single submitter. Criteria: GeneDx Variant Classification (06012015). Collection method: clinical testing. Allele origin: germline. Affected: yes.
Comment: This pathogenic variant is denoted BARD1 c.607G>T at the cDNA level and p.Gly203Ter (G203X) at the protein level. The substitution creates a nonsense variant, which changes a Glycine to a premature stop codon (GGA>TGA), and is predicted to cause loss of normal protein function through either protein truncation or nonsense-mediated mRNA decay. Although this variant has not, to our knowledge, been reported in the literature, it is considered pathogenic.

Literature cited by the submitters: PubMed 26681312 (cited by Labcorp Genetics (formerly Invitae), Labcorp); PubMed 20077502 (cited by Labcorp Genetics (formerly Invitae), Labcorp); PubMed 21344236 (cited by Labcorp Genetics (formerly Invitae), Labcorp).